The following is an entry in ClinVar:

NM_000289.6(PFKM):c.1471C>T (p.Gln491Ter)

Gene: PFKM (phosphofructokinase, muscle; plus strand). Cytogenetic location: 12q13.11.
Variant type: single nucleotide variant.
Coding change: c.1471C>T on transcript NM_000289.6 (MANE Select); coding-DNA position 1471, C replaced by T.
Protein change: p.Gln491Ter; replaces glutamine 491 with a stop codon.
Molecular consequence: nonsense. On other transcripts: non-coding transcript variant (6).
Genome position (GRCh38, 1-based): chr12:48,141,798, C>T. VCF-style: chr12-48141798-C-T. GRCh37 (hg19) VCF-style: chr12-48535581-C-T.
Other names: c.1378C>T, p.Gln460Ter (NM_001363619.2); c.1591C>T, p.Gln531Ter (NM_001439058.1); c.1471C>T, p.Gln491Ter (NM_001354743.2, NM_001354744.2, NM_001166687.2 and 2 more transcripts); c.1384C>T, p.Gln462Ter (NM_001354745.2); c.1345C>T, p.Gln449Ter (NM_001354746.2); c.1321C>T, p.Gln441Ter (NM_001354747.2, NM_001354748.2); c.1684C>T, p.Gln562Ter (NM_001166686.2, NM_001354737.1, NM_001354738.1 and 1 more transcripts); c.1780C>T, p.Gln594Ter (NM_001354735.1, NM_001354736.1); and 2 more; short protein forms Q499*, Q531*, Q441*, Q460*, Q491*, Q449*, Q562*, Q462*.
Identifiers: ClinVar variation 4735550 (VCV004735550.1).

ClinVar aggregate classification (germline): Pathogenic (1 of 4 stars; one submission).

Conditions:
Glycogen storage disease, type VII (GSD7). Also called: GSD VII; MUSCLE PHOSPHOFRUCTOKINASE DEFICIENCY; PFKM DEFICIENCY; TARUI DISEASE. Identifiers: Orphanet 371, MedGen C0017926, MONDO:0009295, OMIM 232800.

gnomAD v4.1: 3 of 1,613,902 alleles (0.00019%); highest among the groups gnomAD compares: Non-Finnish European, 0.00025%; no homozygotes.

Submission:

Labcorp Genetics (formerly Invitae), Labcorp
Classification: Pathogenic for Glycogen storage disease, type VII. Last evaluated: 2026-01-17. Review status: criteria provided, single submitter. Criteria: Invitae Variant Classification Sherloc (09022015). Collection method: clinical testing. Allele origin: germline.
Comment: This sequence change creates a premature translational stop signal (p.Gln491*) in the PFKM gene. It is expected to result in an absent or disrupted protein product. Loss-of-function variants in PFKM are known to be pathogenic (PMID: 7825568, 8037209). This variant is present in population databases (no rsID available, gnomAD 0.0009%). This variant has not been reported in the literature in individuals affected with PFKM-related conditions. Algorithms developed to predict the effect of sequence changes on RNA splicing suggest that this variant may disrupt the consensus splice site. For these reasons, this variant has been classified as Pathogenic.

Literature cited by the submitters: PubMed 7825568; PubMed 8037209.